The following is an entry in ClinVar:

ClinVar aggregate classification (germline): Conflicting classifications of pathogenicity. Review status: criteria provided, conflicting classifications (1 of 4 stars). 10 submissions from 10 submitters: Pathogenic (1); Likely pathogenic (3); Uncertain significance (4). 2 of the submissions do not count toward it. Last evaluated 2025-11-23.

Conditions:
F11-related disorders.
Plasma factor XI deficiency.
F11-related disorder. Also called: F11-related condition.
Hereditary factor XI deficiency disease. Also called: PLASMA THROMBOPLASTIN ANTECEDENT DEFICIENCY; Congenital factor XI deficiency; PTA DEFICIENCY; ROSENTHAL SYNDROME. Identifiers: Orphanet 329, MedGen C0015523, MeSH D005173, MONDO:0012897, OMIM 612416.

Allele frequency attached by ClinVar (database versions not stated): TOPMed 0.00043; ExAC 0.00044; gnomAD exomes 0.00050 and 0.00056; gnomAD 0.00052 and 0.00055.
gnomAD v4.1: 878 of 1,614,012 alleles (0.054%); highest among the groups gnomAD compares: Non-Finnish European, 0.064%; no homozygotes.

Submissions (10):

Natera, Inc.
Classification: Pathogenic for Plasma factor XI deficiency. Last evaluated: 2025-11-23. Review status: criteria provided, single submitter. Criteria: Natera Variant Classification Schema (03/2026). Collection method: clinical testing. Allele origin: germline.
Comment: The c.809A>T variant in F11 is a missense variant predicted to cause substitution of lysine to isoleucine at amino acid 270. This variant is rare in the general population with a frequency below the threshold expected for the associated phenotype(s). This variant has been observed in one or more individuals affected with the associated recessive disease, as either homozygous or compound heterozygous with a second variant (PMID: 15180874, 18839438, 18446632, 31064749). Additionally, this variant has been observed to segregate in affected family members (PMID: 15180874). Multiple computational prediction algorithms suggest this variant is unlikely to affect gene or protein function. Given the available evidence, this variant is classified as Pathogenic.

PreventionGenetics, part of Exact Sciences
Classification: Uncertain significance for F11-related condition. Last evaluated: 2025-02-12. Review status: criteria provided, single submitter. Criteria: ACMG Guidelines, 2015. Collection method: clinical testing. Allele origin: germline.
Comment: The F11 c.809A>T variant is predicted to result in the amino acid substitution p.Lys270Ile. This variant is also referred to as Lys252Ile using legacy nomenclature. It has been reported in the heterozygous or compound heterozygous state in individuals with factor XI deficiency (Dai et al 2004. PubMed ID: 15180874; Castaman et al. 2008. PubMed ID: 18839438; Duncan et al. 2008. PubMed ID: 18446632; Supplementary Table 3, Downes et al 2019. PubMed ID: 31064749). In vitro experimental studies suggest this variant impacts protein function (Dai et al 2004. PubMed ID: 15180874). This variant is reported in 0.13% of alleles in individuals of European (Finnish) descent in gnomAD. Although we suspect that this variant may be pathogenic, at this time, the clinical significance of this variant is uncertain due to the absence of conclusive functional and genetic evidence.

Blueprint Genetics
Classification: Likely pathogenic for F11-related disorders. Last evaluated: 2024-11-26. Review status: criteria provided, single submitter. Criteria: ACMG Guidelines, 2015. Collection method: clinical testing. Allele origin: germline. Affected: yes. Observed: 5 variant alleles.

Pittsburgh Clinical Genomics Laboratory, University of Pittsburgh Medical Center
Classification: Likely pathogenic for Hereditary factor XI deficiency disease. Last evaluated: 2022-07-23. Review status: criteria provided, single submitter. Criteria: ACMG Guidelines, 2015. Collection method: clinical testing. Allele origin: germline. Inheritance: Autosomal unknown. Affected: yes.
Comment: This sequence variant is a single nucleotide substitution (A>T) at coding position 809 in the F11 gene which results in a lysine to isoleucine amino acid change at residue 270 in the F11-encoded factor XI protein. This is a previously reported variant (ClinVar) which has been observed in heterozygous and compound heterozygous state in individuals with coagulation disorders (PMID: 18839438, 16835901, 18446632, 31064749). This variant is present in 148/282756 alleles (0.05234%) in the gnomAD control population dataset. This variant occurs in the third of four apple domains in factor XI. Bioinformatic tools predict that this amino acid change is likely to be tolerated; furthermore, this amino acid residue is not well conserved in vertebrates. However, an in vitro functiol study demonstrated that cells expressing variant factor XI had ~66% decreased secretion in comparison to cells expressing wild-type protein (PMID: 15180874). Furthermore, multiple individuals that were heterozygous or compound heterozygous for this variant had factor XI antigen and activity levels consistent with a nearly complete loss of function (PMID: 18839438, 16835901). Based on the current data, we consider this variant to be likely pathogenic. ACMG Criteria: BP4, PM3, PS3, PS4

Myriad Genetics, Inc.
Classification: Uncertain significance for Hereditary factor XI deficiency disease. Last evaluated: 2021-10-01. Review status: criteria provided, single submitter. Criteria: Myriad Women's Health Autosomal Recessive and X-Linked Classification Criteria (2021). Collection method: clinical testing. Allele origin: unknown.
Comment: NM_000128.3(F11):c.809A>T(K270I) is a missense variant classified as a variant of uncertain significance in the context of factor XI deficiency. K270I has been observed in cases with relevant disease (PMID: 15180874, 18839438, 18446632, 31064749). Functional assessments of this variant are available in the literature (PMID: 15180874). K270I has been observed in population frequency databases (gnomAD: FIN 0.13%). In summary, there is insufficient evidence to classify NM_000128.3(F11):c.809A>T(K270I) as pathogenic or benign. Please note: this variant was assessed in the context of healthy population screening.

NIHR Bioresource Rare Diseases, University of Cambridge
Classification: Uncertain significance for Hereditary factor XI deficiency disease. Last evaluated: 2019-02-01. Review status: criteria provided, single submitter. Criteria: ACMG Guidelines, 2015. Collection method: research. Allele origin: unknown. Affected: yes. Observed: 1 compound heterozygote. Study: ThromboGenomics.

Eurofins Ntd Llc (ga)
Classification: Uncertain significance. Last evaluated: 2017-06-08. Review status: criteria provided, single submitter. Criteria: EGL Classification Definitions 2015. Collection method: clinical testing. Allele origin: germline. Observed: 1 variant allele, 1 heterozygote.

Illumina Laboratory Services, Illumina
Classification: Likely pathogenic for Hereditary factor XI deficiency disease. Last evaluated: 2017-04-27. Review status: criteria provided, single submitter. Criteria: ICSL Variant Classification Criteria 09 May 2019. Collection method: clinical testing. Allele origin: germline.
Comment: The F11 c.809A>T (p.Lys270Ile) missense variant, also known as p.Lys252Ile, has been reported in three studies and is found in a compound heterozygous state in at least four individuals with factor XI deficiency, two of whom were related, and in a heterozygous state in two family members of one of the compound heterozygotes, though phenotype information is not provided (Dai et al. 2004; Mitchell et al. 2006; Castaman et al. 2008). Control data are unavailable for this variant, which is reported at a frequency of 0.00151 in the European (Finnish) population of the Exome Aggregation Consortium. Functional studies in hamster kidney cells demonstrated that while the p.Lys270Ile variant protein was synthesized and expressed intracellularly at levels similar to wild type, secretion of the variant protein was reduced by 73% (Dai et al. 2004). Based on the evidence, the p.Lys270Ile variant is classified as likely pathogenic for factor XI deficiency. This variant was observed by ICSL as part of a predisposition screen in an ostensibly healthy population.

OMIM
Classification: Pathogenic for FACTOR XI DEFICIENCY. Last evaluated: 2004-06-01. Review status: no assertion criteria provided. Collection method: literature only. Allele origin: germline. Not counted in ClinVar's aggregate classification.

UniProtKB/Swiss-Prot
No classification provided. Review status: no classification provided. Collection method: not provided. Allele origin: not provided. Not counted in ClinVar's aggregate classification.

Literature cited by the submitters: PubMed 15180874 (cited by 5 submitters); PubMed 18839438 (cited by 4 submitters); PubMed 18446632 (cited by 3 submitters); PubMed 31064749 (cited by 4 submitters); PubMed 16835901 (cited by Pittsburgh Clinical Genomics Laboratory, University of Pittsburgh Medical Center and Illumina Laboratory Services, Illumina).

NM_000128.4(F11):c.809A>T (p.Lys270Ile)

Gene: F11 (coagulation factor XI; plus strand). Cytogenetic location: 4q35.2.
Variant type: single nucleotide variant.
Coding change: c.809A>T on transcript NM_000128.4 (MANE Select); coding-DNA position 809, A replaced by T.
Protein change: p.Lys270Ile; replaces lysine 270 with isoleucine.
Molecular consequence: missense variant.
Genome position (GRCh38, 1-based): chr4:186,280,065, A>T. VCF-style: chr4-186280065-A-T. GRCh37 (hg19) VCF-style: chr4-187201219-A-T.
Other names: F11, LYS252ILE; K252I; short protein forms K270I.
Identifiers: ClinVar variation 11902 (VCV000011902.20), dbSNP rs121965070, ClinGen allele CA121765.